The following is an entry in ClinVar:

NM_005751.5(AKAP9):c.9864G>C (p.Leu3288Phe)

Gene: AKAP9 (A-kinase anchoring protein 9; plus strand). Cytogenetic location: 7q21.2.
Variant type: single nucleotide variant.
Coding change: c.9864G>C on transcript NM_005751.5 (MANE Select); coding-DNA position 9864, G replaced by C.
Protein change: p.Leu3288Phe; replaces leucine 3288 with phenylalanine.
Molecular consequence: missense variant.
Genome position (GRCh38, 1-based): chr7:92,096,823, G>C. VCF-style: chr7-92096823-G-C. GRCh37 (hg19) VCF-style: chr7-91726137-G-C.
Other names: c.4509G>C, p.Leu1503Phe (NM_001379277.1); c.9840G>C, p.Leu3280Phe (NM_147185.3); short protein forms L3280F, L1503F, L3288F.
Identifiers: ClinVar variation 5034259 (VCV005034259.1).

ClinVar aggregate classification (germline): Uncertain significance (1 of 4 stars; one submission).

Conditions:
Cardiovascular phenotype. Identifiers: MedGen CN230736.

gnomAD v4.1: 4 of 1,614,110 alleles (0.00025%); highest among the groups gnomAD compares: East Asian, 0.0089%; no homozygotes.

Submission:

Ambry Genetics
Classification: Uncertain significance for Cardiovascular phenotype. Last evaluated: 2026-09-13. Review status: criteria provided, single submitter. Criteria: Ambry Variant Classification Scheme 2023. Collection method: clinical testing. Allele origin: germline.
Comment: The p.L3288F variant (also known as c.9864G>C), located in coding exon 41 of the AKAP9 gene, results from a G to C substitution at nucleotide position 9864. The leucine at codon 3288 is replaced by phenylalanine, an amino acid with highly similar properties. This amino acid position is conserved. In addition, this alteration is predicted to be tolerated by in silico analysis. Based on the available evidence, the clinical significance of this variant remains unclear.